The following is an entry in ClinVar:

ClinVar aggregate classification (germline): Uncertain significance (1 of 4 stars; one submission).

Conditions:
LAMA2-related muscular dystrophy (LAMA2-RD). Also called: Laminin alpha 2-related dystrophy. Identifiers: MedGen C5679788, MONDO:0100228.

Allele frequency attached by ClinVar (database versions not stated): TOPMed below 0.00001.
gnomAD v4.1: 1 of 1,614,050 alleles (0.000062%); highest among the groups gnomAD compares: Non-Finnish European, 0.000085%; no homozygotes.

Submission:

Labcorp Genetics (formerly Invitae), Labcorp
Classification: Uncertain significance for LAMA2-related muscular dystrophy. Last evaluated: 2021-02-07. Review status: criteria provided, single submitter. Criteria: Invitae Variant Classification Sherloc (09022015). Collection method: clinical testing. Allele origin: germline.
Comment: This variant has not been reported in the literature in individuals with LAMA2-related conditions. This variant is not present in population databases (ExAC no frequency). This sequence change replaces valine with leucine at codon 3064 of the LAMA2 protein (p.Val3064Leu). The valine residue is moderately conserved and there is a small physicochemical difference between valine and leucine. Advanced modeling of protein sequence and biophysical properties (such as structural, functional, and spatial information, amino acid conservation, physicochemical variation, residue mobility, and thermodynamic stability) performed at Invitae indicates that this missense variant is not expected to disrupt LAMA2 protein function. In summary, the available evidence is currently insufficient to determine the role of this variant in disease. Therefore, it has been classified as a Variant of Uncertain Significance.

NM_000426.4(LAMA2):c.9190G>T (p.Val3064Leu)

Gene: LAMA2 (laminin subunit alpha 2; plus strand). Cytogenetic location: 6q22.33.
Variant type: single nucleotide variant.
Coding change: c.9190G>T on transcript NM_000426.4 (MANE Select); coding-DNA position 9190, G replaced by T.
Protein change: p.Val3064Leu; replaces valine 3064 with leucine.
Molecular consequence: missense variant.
Genome position (GRCh38, 1-based): chr6:129,514,574, G>T. VCF-style: chr6-129514574-G-T. GRCh37 (hg19) VCF-style: chr6-129835719-G-T.
Other names: c.9178G>T, p.Val3060Leu (NM_001079823.2); short protein forms V3064L, V3060L.
Identifiers: ClinVar variation 1428078 (VCV001428078.8), dbSNP rs1245320531, ClinGen allele CA365637121.
Genomic context (GRCh38, chr6:129,514,574, plus strand): 5'-AACCAGGTGGAAGCCCAAAGCCCAAACCCAGCATCTACATCAGCTGACACAAATGACCCT[G>T]TGTTTGTTGGAGGCTTCCCAGGTGAGTGTTGGCTACCCCAGCAACAATTTCTTTGCTCTC-3'
Protein context (NP_000417.3, residues 3054-3074): ASTSADTNDP[Val3064Leu]FVGGFPDDLK